The following is an entry in ClinVar:

NM_002691.4(POLD1):c.841-5C>T

Gene: POLD1 (DNA polymerase delta 1, catalytic subunit; plus strand). Cytogenetic location: 19q13.33.
Variant type: single nucleotide variant.
Coding change: c.841-5C>T on transcript NM_002691.4 (MANE Select); 5 bases into the intron before coding-DNA position 841, C replaced by T.
Molecular consequence: intron variant.
Genome position (GRCh38, 1-based): chr19:50,402,607, C>T. VCF-style: chr19-50402607-C-T. GRCh37 (hg19) VCF-style: chr19-50905864-C-T.
Other names: c.841-5C>T (LRG_785t1, LRG_785t2, NM_001256849.1 and 1 more transcripts).
Identifiers: ClinVar variation 408070 (VCV000408070.22), dbSNP rs530091118, ClinGen allele CA9595933.

ClinVar aggregate classification (germline): Conflicting classifications of pathogenicity. Review status: criteria provided, conflicting classifications (1 of 4 stars). 7 submissions from 7 submitters: Uncertain significance (1); Likely benign (5). 1 of the submissions does not count toward it. Last evaluated 2026-02-04.

Conditions:
POLD1-related disorder. Also called: POLD1-related disorders; POLD1-related condition.
POLD1-related polyposis and colorectal cancer syndrome (CRCS10). Also called: Colorectal cancer, susceptibility to, 10; Colorectal cancer 10; COLORECTAL CANCER, SUSCEPTIBILITY TO, ON CHROMOSOME 19q. Identifiers: Orphanet 220460, MedGen C2675481, MONDO:0012953, OMIM 612591.
Hereditary cancer-predisposing syndrome. Also called: Neoplastic Syndromes, Hereditary; Hereditary neoplastic syndrome; Hereditary Cancer Syndrome; Tumor predisposition. Identifiers: Orphanet 140162, MedGen C0027672, MeSH D009386, MONDO:0015356.
Mandibular hypoplasia-deafness-progeroid syndrome. Also called: Mandibular hypoplasia, deafness, progeroid features, and lipodystrophy syndrome. Identifiers: Orphanet 363649, MedGen C3715192, MONDO:0014157, OMIM 615381.

Allele frequency attached by ClinVar (database versions not stated): TOPMed 0.00002; gnomAD exomes 0.00003 and 0.00010; gnomAD 0.00004; ExAC 0.00009; 1000 Genomes Project 30x 0.00031; 1000 Genomes Project 0.00040.
gnomAD v4.1: 146 of 1,572,174 alleles (0.0093%); highest among the groups gnomAD compares: East Asian, 0.34%; 1 homozygote.

Submissions (7):

Labcorp Genetics (formerly Invitae), Labcorp
Classification: Likely benign for POLD1-related polyposis and colorectal cancer syndrome. Last evaluated: 2026-02-04. Review status: criteria provided, single submitter. Criteria: Invitae Variant Classification Sherloc (09022015). Collection method: clinical testing. Allele origin: germline.

Myriad Genetics, Inc.
Classification: Likely benign for POLD1-related polyposis and colorectal cancer syndrome. Last evaluated: 2025-02-04. Review status: criteria provided, single submitter. Criteria: Myriad Autosomal Dominant, Autosomal Recessive and X-Linked Classification Criteria (2023). Collection method: clinical testing. Allele origin: unknown.
Comment: This variant is considered likely benign. This variant is intronic and is not expected to impact mRNA splicing.

Ambry Genetics
Classification: Uncertain significance for Hereditary cancer-predisposing syndrome. Last evaluated: 2024-12-18. Review status: criteria provided, single submitter. Criteria: Ambry Variant Classification Scheme 2023. Collection method: clinical testing. Allele origin: germline.
Comment: The c.841-5C>T intronic variant results from a C to T substitution 5 nucleotides upstream from coding exon 7 in the POLD1 gene. This nucleotide position is not well conserved in available vertebrate species. In silico splice site analysis predicts that this alteration will not have any significant effect on splicing. Based on the available evidence, the clinical significance of this variant remains unclear.

Department of Pathology and Laboratory Medicine, Sinai Health System
Classification: Likely benign for mandibular hypoplasia-deafness-progeroid syndrome. Last evaluated: 2023-10-04. Review status: criteria provided, single submitter. Criteria: ACMG Guidelines, 2015. Collection method: clinical testing. Allele origin: germline. Affected: no.

Sema4
Classification: Likely benign for Hereditary cancer-predisposing syndrome. Last evaluated: 2021-06-28. Review status: criteria provided, single submitter. Criteria: Sema4 Curation Guidelines. Collection method: curation. Allele origin: germline.

GeneDx
Classification: Likely benign. Last evaluated: 2019-11-20. Review status: criteria provided, single submitter. Criteria: GeneDx Variant Classification Process June 2021. Collection method: clinical testing. Allele origin: germline. Affected: yes.

PreventionGenetics, part of Exact Sciences
Classification: Likely benign for POLD1-related condition. Last evaluated: 2019-10-16. Review status: no assertion criteria provided. Collection method: clinical testing. Allele origin: germline. Not counted in ClinVar's aggregate classification.
Comment: This variant is classified as likely benign based on ACMG/AMP sequence variant interpretation guidelines (Richards et al. 2015 PMID: 25741868, with internal and published modifications).